The following is an entry in ClinVar:

ClinVar aggregate classification (germline): Uncertain significance (1 of 4 stars; one submission).

Submission:

Labcorp Genetics (formerly Invitae), Labcorp
Classification: Uncertain significance. Last evaluated: 2021-10-14. Review status: criteria provided, single submitter. Criteria: Invitae Variant Classification Sherloc (09022015). Collection method: clinical testing. Allele origin: germline.
Comment: This variant has not been reported in the literature in individuals affected with CTNNB1-related conditions. This sequence change replaces glutamic acid with glycine at codon 209 of the CTNNB1 protein (p.Glu209Gly). The glutamic acid residue is highly conserved and there is a moderate physicochemical difference between glutamic acid and glycine. This variant is not present in population databases (ExAC no frequency). Algorithms developed to predict the effect of missense changes on protein structure and function (SIFT, PolyPhen-2, Align-GVGD) all suggest that this variant is likely to be tolerated. In summary, the available evidence is currently insufficient to determine the role of this variant in disease. Therefore, it has been classified as a Variant of Uncertain Significance.

NM_001904.4(CTNNB1):c.626A>G (p.Glu209Gly)

Genes: CTNNB1 (catenin beta 1; plus strand), LOC126806658 (BRD4-independent group 4 enhancer GRCh37_chr3:41265899-41267098; plus strand). Cytogenetic location: 3p22.1.
Variant type: single nucleotide variant.
Coding change: c.626A>G on transcript NM_001904.4 (MANE Select); coding-DNA position 626, A replaced by G.
Protein change: p.Glu209Gly; replaces glutamic acid 209 with glycine.
Molecular consequence: missense variant.
Genome position (GRCh38, 1-based): chr3:41,225,464, A>G. VCF-style: chr3-41225464-A-G. GRCh37 (hg19) VCF-style: chr3-41266955-A-G.
Other names: c.626A>G, p.Glu209Gly (NM_001098209.2, NM_001098210.2); c.605A>G, p.Glu202Gly (NM_001330729.2); short protein forms E202G, E209G.
Identifiers: ClinVar variation 1506335 (VCV001506335.6), dbSNP rs2125622949, ClinGen allele CA352229724.